The following is an entry in ClinVar:

ClinVar aggregate classification (germline): Likely benign (0 of 4 stars; one submission).

Conditions:
GNAS-related disorder. Identifiers: MedGen CN380105.

Submission:

PreventionGenetics, part of Exact Sciences
Classification: Likely benign for GNAS-related condition. Last evaluated: 2024-05-10. Review status: no assertion criteria provided. Collection method: clinical testing. Allele origin: germline.
Comment: This variant is classified as likely benign based on ACMG/AMP sequence variant interpretation guidelines (Richards et al. 2015 PMID: 25741868, with internal and published modifications).

NM_016592.5(GNAS):c.699C>G (p.Ser233=)

Genes: GNAS (GNAS complex locus; plus strand), GNAS-AS1 (GNAS antisense RNA 1; minus strand). Cytogenetic location: 20q13.32.
Variant type: single nucleotide variant.
Coding change: c.699C>G on transcript NM_016592.5 (MANE Plus Clinical); coding-DNA position 699, C replaced by G.
Protein change: p.Ser233=; no amino-acid change (serine 233 retained).
Molecular consequence: synonymous variant. On other transcripts: 5 prime UTR variant (1).
Genome position (GRCh38, 1-based): chr20:58,840,805, C>G. VCF-style: chr20-58840805-C-G. GRCh37 (hg19) VCF-style: chr20-57415860-C-G.
Other names: c.-39C>G (NM_001410912.1).
Identifiers: ClinVar variation 3345781 (VCV003345781.1).
Genomic context (GRCh38, chr20:58,840,805, plus strand): 5'-GAAGCAGCGGCGTCGCTGCAAGCCAAAGAAGCCCACCCGCCGTGACGCGTCCCCGGAGTC[C>G]CCTTCCAAAAAGGGACCCATCCCCATCCGGCGTCACTAATGGAGGACGCCGTCCAGATTC-3'
Protein context (NP_057676.1, residues 223-243): KPTRRDASPE[Ser233=]PSKKGPIPIR